The following is an entry in ClinVar:

ClinVar aggregate classification (germline): Uncertain significance (1 of 4 stars; one submission).

Conditions:
Developmental and epileptic encephalopathy, 9 (DEE9). Also called: JUBERG-HELLMAN SYNDROME; EPILEPSY, FEMALE-RESTRICTED, WITH MENTAL RETARDATION; Early infantile epileptic encephalopathy 9; PCDH19-Related X-Linked Female-Limited Epilepsy with Mental Retardation. Identifiers: Orphanet 101039, Orphanet 2076, MedGen C1848137, MONDO:0010246, OMIM 300088. Disease mechanism: loss of function.

Allele frequency attached by ClinVar (database versions not stated): gnomAD exomes below 0.00001.
gnomAD v4.1: 4 of 1,211,211 alleles (0.00033%); highest among the groups gnomAD compares: East Asian, 0.0089%; no homozygotes.

Submission:

Labcorp Genetics (formerly Invitae), Labcorp
Classification: Uncertain significance for Developmental and epileptic encephalopathy, 9. Last evaluated: 2022-11-21. Review status: criteria provided, single submitter. Criteria: Invitae Variant Classification Sherloc (09022015). Collection method: clinical testing. Allele origin: germline.
Comment: In summary, the available evidence is currently insufficient to determine the role of this variant in disease. Therefore, it has been classified as a Variant of Uncertain Significance. Advanced modeling of protein sequence and biophysical properties (such as structural, functional, and spatial information, amino acid conservation, physicochemical variation, residue mobility, and thermodynamic stability) performed at Invitae indicates that this missense variant is not expected to disrupt PCDH19 protein function. This variant has not been reported in the literature in individuals affected with PCDH19-related conditions. This variant is present in population databases (no rsID available, gnomAD 0.008%). This sequence change replaces aspartic acid, which is acidic and polar, with asparagine, which is neutral and polar, at codon 1007 of the PCDH19 protein (p.Asp1007Asn).

NM_001184880.2(PCDH19):c.3019G>A (p.Asp1007Asn)

Gene: PCDH19 (protocadherin 19; minus strand). Cytogenetic location: Xq22.1.
Variant type: single nucleotide variant.
Coding change: c.3019G>A on transcript NM_001184880.2 (MANE Select); coding-DNA position 3019, G replaced by A.
Protein change: p.Asp1007Asn; replaces aspartic acid 1007 with asparagine.
Molecular consequence: missense variant.
Genome position (GRCh38, 1-based): chrX:100,296,705, C>T on the plus strand (G>A on the coding strand, the complement: PCDH19 is on the minus strand). VCF-style: chrX-100296705-C-T. GRCh37 (hg19) VCF-style: chrX-99551703-C-T.
Other names: c.2878G>A, p.Asp960Asn (NM_001105243.2); c.2875G>A, p.Asp959Asn (NM_020766.3); short protein forms D960N, D1007N, D959N.
Identifiers: ClinVar variation 2723521 (VCV002723521.3), dbSNP rs1440751971, ClinGen allele CA414000627.